The following is an entry in ClinVar:

NM_001987.5(ETV6):c.608_609delinsTT (p.Ser203Phe)

Gene: ETV6 (ETS variant transcription factor 6; plus strand). Cytogenetic location: 12p13.2.
Variant type: Indel.
Coding change: c.608_609delinsTT on transcript NM_001987.5 (MANE Select); coding-DNA positions 608 to 609, CC replaced by TT.
Protein change: p.Ser203Phe; replaces serine 203 with phenylalanine.
Molecular consequence: missense variant.
Genome position (GRCh38, 1-based): chr12:11,869,568-11,869,569, CC replaced by TT. VCF-style: chr12-11869568-CC-TT. GRCh37 (hg19) VCF-style: chr12-12022502-CC-TT.
Other names: c.608_609delinsTT, p.Ser203Phe (NM_001413916.1, NM_001413917.1); c.605_606delinsTT, p.Ser202Phe (NM_001413913.1); c.581_582delinsTT, p.Ser194Phe (NM_001413914.1); c.344_345delinsTT, p.Ser115Phe (NM_001413915.1); short protein forms S115F, S194F, S202F, S203F.
Identifiers: ClinVar variation 4082428 (VCV004082428.2).

ClinVar aggregate classification (germline): Uncertain significance (1 of 4 stars; one submission).

Submission:

Genetic Services Laboratory, University of Chicago
Classification: Uncertain significance. Last evaluated: 2024-11-26. Review status: criteria provided, single submitter. Criteria: ACMG Guidelines, 2015. Collection method: clinical testing. Allele origin: germline. Affected: no.
Comment: DNA sequence analysis of the ETV6 gene demonstrated a complex sequence change, c.608_609delinsTT, in exon 5 that results in an amino acid change, p.Ser203Phe. This sequence change does not appear to have been previously described in individuals with ETV6-related disorders and has also not been described in population databases such as ExAC and gnomAD. The p.Ser203Phe change affects a highly conserved amino acid residue located in a domain of the ETV6 protein that is not known to be functional. The p.Ser203Phe substitution appears to be deleterious/possibly damaging using several in-silico pathogenicity prediction tools (SIFT, PolyPhen2, Align GVGD, REVEL). Due to insufficient evidence and the lack of functional studies, the clinical significance of the p.Ser203Phe change remains unknown at this time.